The following is an entry in ClinVar:

NM_001044.5(SLC6A3):c.1111A>C (p.Met371Leu)

Gene: SLC6A3 (solute carrier family 6 member 3). Cytogenetic location: 5p15.33.
Variant type: single nucleotide variant.
Coding change: c.1111A>C on transcript NM_001044.5 (MANE Select); coding-DNA position 1111, A replaced by C.
Protein change: p.Met371Leu; replaces methionine 371 with leucine.
Molecular consequence: missense variant.
Genome position (GRCh38, 1-based): chr5:1,414,736, T>G on the plus strand (A>C on the coding strand, the complement: SLC6A3 is on the minus strand). VCF-style: chr5-1414736-T-G. GRCh37 (hg19) VCF-style: chr5-1414851-T-G.
Other names: short protein forms M371L.
Identifiers: ClinVar variation 2756782 (VCV002756782.3), dbSNP rs771052229, ClinGen allele CA3186154.

ClinVar aggregate classification (germline): Uncertain significance (1 of 4 stars; one submission).

Conditions:
Parkinsonism-dystonia, infantile. Identifiers: Orphanet 238455, MedGen C2751067, MONDO:0013150.

gnomAD v4.1: 4 of 1,612,654 alleles (0.00025%); highest among the groups gnomAD compares: Non-Finnish European, 0.00034%; no homozygotes.

Submission:

Labcorp Genetics (formerly Invitae), Labcorp
Classification: Uncertain significance for Parkinsonism-dystonia, infantile. Last evaluated: 2024-01-17. Review status: criteria provided, single submitter. Criteria: Invitae Variant Classification Sherloc (09022015). Collection method: clinical testing. Allele origin: germline.
Comment: This sequence change replaces methionine, which is neutral and non-polar, with leucine, which is neutral and non-polar, at codon 371 of the SLC6A3 protein (p.Met371Leu). This variant is present in population databases (rs771052229, gnomAD 0.0009%). This variant has not been reported in the literature in individuals affected with SLC6A3-related conditions. Advanced modeling of protein sequence and biophysical properties (such as structural, functional, and spatial information, amino acid conservation, physicochemical variation, residue mobility, and thermodynamic stability) performed at Invitae indicates that this missense variant is not expected to disrupt SLC6A3 protein function with a negative predictive value of 80%. In summary, the available evidence is currently insufficient to determine the role of this variant in disease. Therefore, it has been classified as a Variant of Uncertain Significance.